The following is an entry in ClinVar:

NM_000350.3(ABCA4):c.6370G>A (p.Val2124Ile)

Gene: ABCA4 (ATP binding cassette subfamily A member 4; minus strand). Cytogenetic location: 1p22.1.
Variant type: single nucleotide variant.
Coding change: c.6370G>A on transcript NM_000350.3 (MANE Select); coding-DNA position 6370, G replaced by A.
Protein change: p.Val2124Ile; replaces valine 2124 with isoleucine.
Molecular consequence: missense variant.
Genome position (GRCh38, 1-based): chr1:94,001,018, C>T on the plus strand (G>A on the coding strand, the complement: ABCA4 is on the minus strand). VCF-style: chr1-94001018-C-T. GRCh37 (hg19) VCF-style: chr1-94466574-C-T.
Other names: c.6148G>A, p.Val2050Ile (NM_001425324.1); short protein forms V2050I, V2124I.
Identifiers: ClinVar variation 3718929 (VCV003718929.2).
Genomic context (GRCh38, chr1:94,001,018, plus strand): 5'-GAGAGGATTCCCACCCACCTTCCCCAGCCCTGGGAATCTCTTGCCTGTGGGATGTGAGGA[C>T]CACAGCCCTCCCTTCTCTGATGATGCTCACGATGACGTTCCACAGCATGCGGCGTGCCTG-3'
Protein context (NP_000341.2, residues 2114-2134): VSIIREGRAV[Val2124Ile]LTSHSMEECE

ClinVar aggregate classification (germline): Uncertain significance (1 of 4 stars; one submission).

gnomAD v4.1: 2 of 1,614,002 alleles (0.00012%); highest among the groups gnomAD compares: East Asian, 0.0022%; no homozygotes.

Submission:

Labcorp Genetics (formerly Invitae), Labcorp
Classification: Uncertain significance. Last evaluated: 2024-10-24. Review status: criteria provided, single submitter. Criteria: Invitae Variant Classification Sherloc (09022015). Collection method: clinical testing. Allele origin: germline.
Comment: This sequence change replaces valine, which is neutral and non-polar, with isoleucine, which is neutral and non-polar, at codon 2124 of the ABCA4 protein (p.Val2124Ile). This variant is present in population databases (rs749156523, gnomAD 0.007%). This variant has not been reported in the literature in individuals affected with ABCA4-related conditions. Invitae Evidence Modeling of protein sequence and biophysical properties (such as structural, functional, and spatial information, amino acid conservation, physicochemical variation, residue mobility, and thermodynamic stability) has been performed for this missense variant. However, the output from this modeling did not meet the statistical confidence thresholds required to predict the impact of this variant on ABCA4 protein function. In summary, the available evidence is currently insufficient to determine the role of this variant in disease. Therefore, it has been classified as a Variant of Uncertain Significance.